The following is an entry in ClinVar:

NM_001009944.3(PKD1):c.8705A>G (p.Gln2902Arg)

Gene: PKD1 (polycystin 1, transient receptor potential channel interacting; minus strand). Cytogenetic location: 16p13.3.
Variant type: single nucleotide variant.
Coding change: c.8705A>G on transcript NM_001009944.3 (MANE Select); coding-DNA position 8705, A replaced by G.
Protein change: p.Gln2902Arg; replaces glutamine 2902 with arginine.
Molecular consequence: missense variant.
Genome position (GRCh38, 1-based): chr16:2,103,352, T>C on the plus strand (A>G on the coding strand, the complement: PKD1 is on the minus strand). VCF-style: chr16-2103352-T-C. GRCh37 (hg19) VCF-style: chr16-2153353-T-C.
Other names: c.8705A>G, p.Gln2902Arg (NM_000296.4); short protein forms Q2902R.
Identifiers: ClinVar variation 1703191 (VCV001703191.4), dbSNP rs1400163523, ClinGen allele CA394362325.

ClinVar aggregate classification (germline): Uncertain significance. Review status: criteria provided, multiple submitters, no conflicts (2 of 4 stars). 2 submissions from 2 submitters: Uncertain significance (2). Last evaluated 2024-05-17.

Conditions:
Polycystic kidney disease, adult type (PKD1). Also called: Polycystic Kidney Disease 1, Autosomal Dominant; Polycystic kidney disease 1; Polycystic kidney disease 1, severe; Polycystic Kidney, Autosomal Dominant; POLYCYSTIC KIDNEY DISEASE 1 WITH OR WITHOUT POLYCYSTIC LIVER DISEASE; POLYCYSTIC KIDNEY DISEASE, ADULT, TYPE I. Identifiers: MedGen C3149841, MONDO:0008263, OMIM 173900.

Allele frequency attached by ClinVar (database versions not stated): gnomAD exomes below 0.00001.
gnomAD v4.1: 2 of 1,605,042 alleles (0.00012%); highest among the groups gnomAD compares: Non-Finnish European, 0.00017%; no homozygotes.

Submissions (2):

Fulgent Genetics
Classification: Uncertain significance for Polycystic kidney disease, adult type. Last evaluated: 2024-05-17. Review status: criteria provided, single submitter. Criteria: ACMG Guidelines, 2015. Collection method: clinical testing. Allele origin: germline.

Greenwood Genetic Center Diagnostic Laboratories, Greenwood Genetic Center
Classification: Uncertain significance. Last evaluated: 2022-05-09. Review status: criteria provided, single submitter. Criteria: ACMG Guidelines, 2015. Collection method: clinical testing. Allele origin: germline. Affected: yes.
Comment: PM2, BP4